The following is an entry in ClinVar:

NM_021870.3(FGG):c.1204T>A (p.Trp402Arg)

Gene: FGG (fibrinogen gamma chain; minus strand). Cytogenetic location: 4q32.1.
Variant type: single nucleotide variant.
Coding change: c.1204T>A on transcript NM_021870.3 (MANE Select); coding-DNA position 1204, T replaced by A.
Protein change: p.Trp402Arg; replaces tryptophan 402 with arginine.
Molecular consequence: missense variant.
Genome position (GRCh38, 1-based): chr4:154,604,992, A>T on the plus strand (T>A on the coding strand, the complement: FGG is on the minus strand). VCF-style: chr4-154604992-A-T. GRCh37 (hg19) VCF-style: chr4-155526144-A-T.
Other names: c.1204T>A, p.Trp402Arg (NM_000509.6); short protein forms W402R.
Identifiers: ClinVar variation 3347490 (VCV003347490.1).
Genomic context (GRCh38, chr4:154,604,992, plus strand): 5'-CTCCAATTGTGAGTCTGTTGAATGGGATTATCTTCATAGTGGTTTTCTTCATGGAATACC[A>T]CCGGGTTTTCCAAGTGGCCCAAATAATGCCATTATCATAACCATTAGGAGTAGATGCTTT-3'
Protein context (NP_068656.2, residues 392-412): GIIWATWKTR[Trp402Arg]YSMKKTTMKI

ClinVar aggregate classification (germline): Uncertain significance (0 of 4 stars; one submission).

Conditions:
FGG-related disorder. Also called: FGG-related condition.

Submission:

PreventionGenetics, part of Exact Sciences
Classification: Uncertain significance for FGG-related condition. Last evaluated: 2024-06-17. Review status: no assertion criteria provided. Collection method: clinical testing. Allele origin: germline.
Comment: The FGG c.1204T>A variant is predicted to result in the amino acid substitution p.Trp402Arg. To our knowledge, this variant has not been reported in the literature or in a large population database, indicating this variant is rare. At this time, the clinical significance of this variant is uncertain due to the absence of conclusive functional and genetic evidence.